The following is an entry in ClinVar:

NM_017654.4(SAMD9):c.1837G>A (p.Glu613Lys)

Gene: SAMD9 (sterile alpha motif domain containing 9; minus strand). Cytogenetic location: 7q21.2.
Variant type: single nucleotide variant.
Coding change: c.1837G>A on transcript NM_017654.4 (MANE Select); coding-DNA position 1837, G replaced by A.
Protein change: p.Glu613Lys; replaces glutamic acid 613 with lysine.
Molecular consequence: missense variant.
Genome position (GRCh38, 1-based): chr7:93,104,261, C>T on the plus strand (G>A on the coding strand, the complement: SAMD9 is on the minus strand). VCF-style: chr7-93104261-C-T. GRCh37 (hg19) VCF-style: chr7-92733574-C-T.
Other names: c.1837G>A, p.Glu613Lys (NM_001193307.2); short protein forms E613K.
Identifiers: ClinVar variation 4629849 (VCV004629849.1).

ClinVar aggregate classification (germline): Uncertain significance (1 of 4 stars; one submission).

Conditions:
Inborn genetic diseases. Identifiers: MedGen C0950123, MeSH D030342.

gnomAD v4.1: 3 of 1,613,628 alleles (0.00019%); highest among the groups gnomAD compares: Non-Finnish European, 0.00025%; no homozygotes.

Submission:

Ambry Genetics
Classification: Uncertain significance for Inborn genetic diseases. Last evaluated: 2025-10-05. Review status: criteria provided, single submitter. Criteria: Ambry Variant Classification Scheme 2023. Collection method: clinical testing. Allele origin: germline.
Comment: The p.E613K variant (also known as c.1837G>A), located in coding exon 1 of the SAMD9 gene, results from a G to A substitution at nucleotide position 1837. The glutamic acid at codon 613 is replaced by lysine, an amino acid with similar properties. This amino acid position is conserved. In addition, this alteration is predicted to be tolerated by in silico analysis. Based on the available evidence, the clinical significance of this variant remains unclear.